The following is an entry in ClinVar:

NM_053025.4(MYLK):c.3095C>T (p.Ala1032Val)

Gene: MYLK (myosin light chain kinase; minus strand). Cytogenetic location: 3q21.1.
Variant type: single nucleotide variant.
Coding change: c.3095C>T on transcript NM_053025.4 (MANE Select); coding-DNA position 3095, C replaced by T.
Protein change: p.Ala1032Val; replaces alanine 1032 with valine.
Molecular consequence: missense variant.
Genome position (GRCh38, 1-based): chr3:123,700,373, G>A on the plus strand (C>T on the coding strand, the complement: MYLK is on the minus strand). VCF-style: chr3-123700373-G-A. GRCh37 (hg19) VCF-style: chr3-123419220-G-A.
Other names: c.2567C>T, p.Ala856Val (NM_001321309.2); c.2888C>T, p.Ala963Val (NM_053026.4, NM_053028.4); c.3095C>T, p.Ala1032Val (NM_053027.4); short protein forms A856V, A963V, A1032V.
Identifiers: ClinVar variation 1972880 (VCV001972880.5), dbSNP rs2474172798, ClinGen allele CA354230069.

ClinVar aggregate classification (germline): Uncertain significance (1 of 4 stars; one submission).

Conditions:
Aortic aneurysm, familial thoracic 7 (AAT7). Also called: AORTIC DISSECTION, FAMILIAL, WITH OR WITHOUT AORTIC ANEURYSM. Identifiers: MedGen C3151077, MONDO:0013418, OMIM 613780.

Submission:

Labcorp Genetics (formerly Invitae), Labcorp
Classification: Uncertain significance for Aortic aneurysm, familial thoracic 7. Last evaluated: 2023-06-14. Review status: criteria provided, single submitter. Criteria: Invitae Variant Classification Sherloc (09022015). Collection method: clinical testing. Allele origin: germline.
Comment: ClinVar contains an entry for this variant (Variation ID: 1972880). Advanced modeling of protein sequence and biophysical properties (such as structural, functional, and spatial information, amino acid conservation, physicochemical variation, residue mobility, and thermodynamic stability) performed at Invitae indicates that this missense variant is not expected to disrupt MYLK protein function. In summary, the available evidence is currently insufficient to determine the role of this variant in disease. Therefore, it has been classified as a Variant of Uncertain Significance. This variant has not been reported in the literature in individuals affected with MYLK-related conditions. This sequence change replaces alanine, which is neutral and non-polar, with valine, which is neutral and non-polar, at codon 1032 of the MYLK protein (p.Ala1032Val). This variant is not present in population databases (gnomAD no frequency).